The following is an entry in ClinVar:

ClinVar aggregate classification (germline): Conflicting classifications of pathogenicity. Review status: criteria provided, conflicting classifications (1 of 4 stars). 3 submissions from 3 submitters: Uncertain significance (1); Likely benign (1). 1 of the submissions does not count toward it. Last evaluated 2024-04-29.

Conditions:
Cardiovascular phenotype. Identifiers: MedGen CN230736.
Alstrom syndrome (ALMS). Identifiers: Orphanet 64, MedGen C0268425, MONDO:0008763, OMIM 203800.

Allele frequency attached by ClinVar (database versions not stated): ExAC 0.00001; gnomAD exomes 0.00001 and below 0.00001; gnomAD 0.00004 and 0.00006; TOPMed 0.00007.
gnomAD v4.1: 10 of 1,613,948 alleles (0.00062%); highest among the groups gnomAD compares: African/African-American, 0.012%; no homozygotes.

Submissions (3):

Ambry Genetics
Classification: Likely benign for Cardiovascular phenotype. Last evaluated: 2024-04-29. Review status: criteria provided, single submitter. Criteria: Ambry Variant Classification Scheme 2023. Collection method: clinical testing. Allele origin: germline.

Labcorp Genetics (formerly Invitae), Labcorp
Classification: Uncertain significance for Alstrom syndrome. Last evaluated: 2022-07-20. Review status: criteria provided, single submitter. Criteria: Invitae Variant Classification Sherloc (09022015). Collection method: clinical testing. Allele origin: germline.
Comment: This sequence change replaces threonine, which is neutral and polar, with proline, which is neutral and non-polar, at codon 613 of the ALMS1 protein (p.Thr613Pro). The frequency data for this variant in the population databases is considered unreliable, as metrics indicate poor data quality at this position in the gnomAD database. This variant has not been reported in the literature in individuals affected with ALMS1-related conditions. ClinVar contains an entry for this variant (Variation ID: 855141). In summary, the available evidence is currently insufficient to determine the role of this variant in disease. Therefore, it has been classified as a Variant of Uncertain Significance.

Natera, Inc.
Classification: Uncertain significance for Alstrom syndrome. Last evaluated: 2020-12-17. Review status: no assertion criteria provided. Collection method: clinical testing. Allele origin: germline. Not counted in ClinVar's aggregate classification.

NM_001378454.1(ALMS1):c.1834A>C (p.Thr612Pro)

Gene: ALMS1 (ALMS1 centrosome and basal body associated protein; plus strand). Cytogenetic location: 2p13.1.
Variant type: single nucleotide variant.
Coding change: c.1834A>C on transcript NM_001378454.1 (MANE Select); coding-DNA position 1834, A replaced by C.
Protein change: p.Thr612Pro; replaces threonine 612 with proline.
Molecular consequence: missense variant.
Genome position (GRCh38, 1-based): chr2:73,448,361, A>C. VCF-style: chr2-73448361-A-C. GRCh37 (hg19) VCF-style: chr2-73675488-A-C.
Other names: c.1837A>C, p.Thr613Pro (NM_015120.4); short protein forms T612P, T613P.
Identifiers: ClinVar variation 855141 (VCV000855141.11), dbSNP rs775286973, ClinGen allele CA1713230.